The following is an entry in ClinVar:

ClinVar aggregate classification (germline): Likely benign (1 of 4 stars; one submission).

gnomAD v4.1: 562 of 1,614,056 alleles (0.035%); highest among the groups gnomAD compares: African/African-American, 0.079%; 3 homozygotes.

Submission:

CeGaT Center for Human Genetics Tuebingen
Classification: Likely benign. Last evaluated: 2026-05-01. Review status: criteria provided, single submitter. Criteria: CeGaT Center For Human Genetics Tuebingen Variant Classification Criteria Version 2. Collection method: clinical testing. Allele origin: germline. Affected: yes. Observed: 1 variant allele.
Comment: SLC16A6: BP4, BP7

NM_004694.5(SLC16A6):c.363C>T (p.Ile121=)

Genes: ARSG (arylsulfatase G; plus strand), SLC16A6 (solute carrier family 16 member 6; minus strand). Cytogenetic location: 17q24.2.
Variant type: single nucleotide variant.
Coding change: c.363C>T on transcript NM_004694.5 (MANE Select); coding-DNA position 363, C replaced by T.
Protein change: p.Ile121=; no amino-acid change (isoleucine 121 retained).
Molecular consequence: synonymous variant. On other transcripts: intron variant (3).
Genome position (GRCh38, 1-based): chr17:68,273,940, G>A on the plus strand (C>T on the coding strand, the complement: SLC16A6 is on the minus strand). VCF-style: chr17-68273940-G-A. GRCh37 (hg19) VCF-style: chr17-66270081-G-A.
Other names: c.363C>T, p.Ile121= (NM_001174166.2); c.-552+14514G>A (NM_001352904.2, NM_014960.5, NM_001352903.2).
Identifiers: ClinVar variation 4873491 (VCV004873491.2).